The following is an entry in ClinVar:

NM_000238.4(KCNH2):c.1826A>C (p.Asp609Ala)

Gene: KCNH2 (potassium voltage-gated channel subfamily H member 2; minus strand). Cytogenetic location: 7q36.1.
Variant type: single nucleotide variant.
Coding change: c.1826A>C on transcript NM_000238.4 (MANE Select); coding-DNA position 1826, A replaced by C.
Protein change: p.Asp609Ala; replaces aspartic acid 609 with alanine.
Molecular consequence: missense variant.
Genome position (GRCh38, 1-based): chr7:150,951,567, T>G on the plus strand (A>C on the coding strand, the complement: KCNH2 is on the minus strand). VCF-style: chr7-150951567-T-G. GRCh37 (hg19) VCF-style: chr7-150648655-T-G.
Other names: c.806A>C, p.Asp269Ala (NM_001204798.2, NM_172057.3); c.1538A>C, p.Asp513Ala (NM_001406753.1, NM_001406756.1); c.1649A>C, p.Asp550Ala (NM_001406755.1); c.1526A>C, p.Asp509Ala (NM_001406757.1); c.1826A>C, p.Asp609Ala (NM_172056.3); short protein forms D269A, D609A, D509A, D513A, D550A.
Identifiers: ClinVar variation 456895 (VCV000456895.9), dbSNP rs199472940, ClinGen allele CA369858001.

ClinVar aggregate classification (germline): Uncertain significance (1 of 4 stars; one submission).

Conditions:
Long QT syndrome (LQTS). Identifiers: MedGen C0023976, MeSH D008133, MONDO:0002442. Disease mechanism: loss of function. Inheritance: Various modes of inheritance.

Submission:

Labcorp Genetics (formerly Invitae), Labcorp
Classification: Uncertain significance for Long QT syndrome. Last evaluated: 2017-02-27. Review status: criteria provided, single submitter. Criteria: Invitae Variant Classification Sherloc (09022015). Collection method: clinical testing. Allele origin: germline.
Comment: This variant identified in the KCNH2 gene is located in the transmembrane spanning S5/pore region of the resulting protein (PMID: 19841300, 25348405). Experimental studies do not agree on the effect of this variant on channel function (PMID: 20133899, 19139152, 24725272). In summary, this variant is a novel missense change with uncertain impact on protein function. It has been classified as a Variant of Uncertain Significance. A different missense substitution at this codon (p.Asp609Gly) has been determined to be pathogenic (PMID: 15500450, 25417810). This suggests that the aspartic acid residue is critical for KCNH2 protein function and that other missense substitutions at this position may also be pathogenic. This variant is not present in population databases (ExAC no frequency) and has not been reported in the literature in individuals with a KCNH2-related disease. This sequence change replaces aspartic acid with alanine at codon 609 of the KCNH2 protein (p.Asp609Ala). The aspartic acid residue is highly conserved and there is a moderate physicochemical difference between aspartic acid and alanine.

Literature cited by the submitters: PubMed 19841300; PubMed 25348405; PubMed 20133899; PubMed 19139152; PubMed 24725272; PubMed 15500450; PubMed 25417810.